The following is an entry in ClinVar:

NM_001204.7(BMPR2):c.852+4A>G

Gene: BMPR2 (bone morphogenetic protein receptor type 2; plus strand). Cytogenetic location: 2q33.2.
Variant type: single nucleotide variant.
Coding change: c.852+4A>G on transcript NM_001204.7 (MANE Select); 4 bases into the intron after coding-DNA position 852, A replaced by G.
Molecular consequence: intron variant.
Genome position (GRCh38, 1-based): chr2:202,519,056, A>G. VCF-style: chr2-202519056-A-G. GRCh37 (hg19) VCF-style: chr2-203383779-A-G.
Identifiers: ClinVar variation 1962271 (VCV001962271.5), dbSNP rs1300733430, ClinGen allele CA538972598.

ClinVar aggregate classification (germline): Uncertain significance (1 of 4 stars; one submission).

Conditions:
Primary pulmonary hypertension. Also called: Idiopathic pulmonary hypertension. Identifiers: MedGen C0152171.

Allele frequency attached by ClinVar (database versions not stated): gnomAD exomes below 0.00001.
gnomAD v4.1: 6 of 1,613,052 alleles (0.00037%); highest among the groups gnomAD compares: Non-Finnish European, 0.00051%; no homozygotes.

Submission:

Labcorp Genetics (formerly Invitae), Labcorp
Classification: Uncertain significance for Primary pulmonary hypertension. Last evaluated: 2022-06-03. Review status: criteria provided, single submitter. Criteria: Invitae Variant Classification Sherloc (09022015). Collection method: clinical testing. Allele origin: germline.
Comment: This sequence change falls in intron 6 of the BMPR2 gene. It does not directly change the encoded amino acid sequence of the BMPR2 protein. It affects a nucleotide within the consensus splice site. This variant is present in population databases (no rsID available, gnomAD 0.0009%). This variant has been observed in individual(s) with pulmonary arterial hypertension (Invitae). Variants that disrupt the consensus splice site are a relatively common cause of aberrant splicing (PMID: 17576681, 9536098). Algorithms developed to predict the effect of sequence changes on RNA splicing suggest that this variant is not likely to affect RNA splicing. In summary, the available evidence is currently insufficient to determine the role of this variant in disease. Therefore, it has been classified as a Variant of Uncertain Significance.

Literature cited by the submitters: PubMed 17576681; PubMed 9536098.